The following is an entry in ClinVar:

NM_001134407.3(GRIN2A):c.934T>G (p.Tyr312Asp)

Gene: GRIN2A (glutamate ionotropic receptor NMDA type subunit 2A; minus strand). Cytogenetic location: 16p13.2.
Variant type: single nucleotide variant.
Coding change: c.934T>G on transcript NM_001134407.3 (MANE Select); coding-DNA position 934, T replaced by G.
Protein change: p.Tyr312Asp; replaces tyrosine 312 with aspartic acid.
Molecular consequence: missense variant.
Genome position (GRCh38, 1-based): chr16:9,938,032, A>C on the plus strand (T>G on the coding strand, the complement: GRIN2A is on the minus strand). VCF-style: chr16-9938032-A-C. GRCh37 (hg19) VCF-style: chr16-10031889-A-C.
Other names: c.934T>G, p.Tyr312Asp (NM_000833.5, NM_001134408.2); short protein forms Y312D.
Identifiers: ClinVar variation 935441 (VCV000935441.13), dbSNP rs2044756352, ClinGen allele CA394798190.

ClinVar aggregate classification (germline): Uncertain significance. Review status: criteria provided, multiple submitters, no conflicts (2 of 4 stars). 2 submissions from 2 submitters: Uncertain significance (2). Last evaluated 2023-05-20.

Conditions:
Landau-Kleffner syndrome (FESD). Also called: EPILEPSY, FOCAL, WITH SPEECH DISORDER AND WITH OR WITHOUT MENTAL RETARDATION; APHASIA, ACQUIRED, WITH EPILEPSY. Identifiers: Orphanet 1945, Orphanet 725, Orphanet 98818, MedGen C0282512, MONDO:0009509, OMIM 245570.

gnomAD v4.1: 1 of 1,614,042 alleles (0.000062%); highest among the groups gnomAD compares: Non-Finnish European, 0.000085%; no homozygotes.

Submissions (2):

Neuberg Centre For Genomic Medicine, NCGM
Classification: Uncertain significance for Landau-Kleffner syndrome. Last evaluated: 2023-05-20. Review status: criteria provided, single submitter. Criteria: ACMG Guidelines, 2015. Collection method: clinical testing. Allele origin: germline. Inheritance: Autosomal dominant inheritance. Affected: yes.
Comment: The observed missense variant c.934T>G(p.Tyr312Asp) in the GRIN2A gene has not been reported previously as a pathogenic variant nor as a benign variant, to our knowledge. This variant is absent in the gnomAD Exomes. This variant has been reported to the ClinVar database as Uncertain Significance. However, no details are available for independent assessment. The amino acid Tyrosine at position 312 is changed to a Aspartic acid changing protein sequence and it might alter its composition and physico- chemical properties. Multiple lines of computational evidence (Polyphen - Benign, SIFT - Tolerated and MutationTaster - Polymorphism) predict no damaging effect on protein structure and function for this variant. The residue is conserved by GERP++ and PhyloP across 100 vertebrates. For these reasons, this variant has been classified as Uncertain Significance.

Labcorp Genetics (formerly Invitae), Labcorp
Classification: Uncertain significance for Landau-Kleffner syndrome. Last evaluated: 2022-02-22. Review status: criteria provided, single submitter. Criteria: Invitae Variant Classification Sherloc (09022015). Collection method: clinical testing. Allele origin: germline.
Comment: This sequence change replaces tyrosine, which is neutral and polar, with aspartic acid, which is acidic and polar, at codon 312 of the GRIN2A protein (p.Tyr312Asp). In summary, the available evidence is currently insufficient to determine the role of this variant in disease. Therefore, it has been classified as a Variant of Uncertain Significance. Advanced modeling of protein sequence and biophysical properties (such as structural, functional, and spatial information, amino acid conservation, physicochemical variation, residue mobility, and thermodynamic stability) performed at Invitae indicates that this missense variant is not expected to disrupt GRIN2A protein function. ClinVar contains an entry for this variant (Variation ID: 935441). This variant has not been reported in the literature in individuals affected with GRIN2A-related conditions. This variant is not present in population databases (gnomAD no frequency).